The following is an entry in ClinVar:

NM_001014.5(RPS10):c.401-18C>T

Genes: RPS10 (ribosomal protein S10; minus strand), RPS10-NUDT3 (RPS10-NUDT3 readthrough; minus strand). Cytogenetic location: 6p21.31.
Variant type: single nucleotide variant.
Coding change: c.401-18C>T on transcript NM_001014.5 (MANE Select); 18 bases into the intron before coding-DNA position 401, C replaced by T.
Molecular consequence: intron variant.
Genome position (GRCh38, 1-based): chr6:34,418,442, G>A on the plus strand (C>T on the coding strand, the complement: RPS10 is on the minus strand). VCF-style: chr6-34418442-G-A. GRCh37 (hg19) VCF-style: chr6-34386219-G-A.
Other names: c.401-18C>T (NM_001202470.3, NM_001204091.2, NM_001203245.3).
Identifiers: ClinVar variation 516589 (VCV000516589.13), dbSNP rs41269040, ClinGen allele CA3765025.

ClinVar aggregate classification (germline): Benign/Likely benign. Review status: criteria provided, multiple submitters, no conflicts (2 of 4 stars). 5 submissions from 5 submitters: Benign (4); Likely benign (1). Last evaluated 2026-02-03.

Conditions:
Diamond-Blackfan anemia. Also called: Blackfan Diamond syndrome; Aregenerative anemia chronic congenital; Red cell aplasia, pure hereditary; Congenital hypoplastic anemia; Aase syndrome. Identifiers: Orphanet 124, MedGen C1260899, MeSH D029503, MONDO:0015253, HP:0004810.
Diamond-Blackfan anemia 9 (DBA9). Also called: RPS10-Related Diamond-Blackfan Anemia. Identifiers: Orphanet 124, MedGen C2750081, MONDO:0013216, OMIM 613308.

Allele frequency attached by ClinVar (database versions not stated): 1000 Genomes Project 30x 0.01843; TOPMed 0.01970; 1000 Genomes Project 0.01977; ESP Exome Variant Server 0.02222; gnomAD 0.02247 and 0.02327; ExAC 0.03150.
gnomAD v4.1: 51,028 of 1,614,074 alleles (3.2%); highest among the groups gnomAD compares: South Asian, 5.5%; 1,007 homozygotes.

Submissions (5):

Labcorp Genetics (formerly Invitae), Labcorp
Classification: Benign for Diamond-Blackfan anemia. Last evaluated: 2026-02-03. Review status: criteria provided, single submitter. Criteria: Invitae Variant Classification Sherloc (09022015). Collection method: clinical testing. Allele origin: germline.

Blueprint Genetics
Classification: Likely benign. Last evaluated: 2024-11-27. Review status: criteria provided, single submitter. Criteria: ACMG Guidelines, 2015. Collection method: clinical testing. Allele origin: germline.

ARUP Laboratories, Molecular Genetics and Genomics, ARUP Laboratories
Classification: Benign for Diamond-Blackfan anemia 9. Last evaluated: 2024-08-26. Review status: criteria provided, single submitter. Criteria: ARUP Molecular Germline Variant Investigation Process 2024. Collection method: clinical testing. Allele origin: germline.

GeneDx
Classification: Benign. Last evaluated: 2017-04-05. Review status: criteria provided, single submitter. Criteria: GeneDx Variant Classification (06012015). Collection method: clinical testing. Allele origin: germline. Affected: yes.
Comment: This variant is considered likely benign or benign based on one or more of the following criteria: it is a conservative change, it occurs at a poorly conserved position in the protein, it is predicted to be benign by multiple in silico algorithms, and/or has population frequency not consistent with disease.

Ambry Genetics
Classification: Benign for Diamond-Blackfan anemia. Last evaluated: 2017-03-14. Review status: criteria provided, single submitter. Criteria: Ambry Variant Classification Scheme 2023. Collection method: clinical testing. Allele origin: germline.